The following is an entry in ClinVar:

NM_001363711.2(DUOX2):c.4238A>T (p.Lys1413Met)

Gene: DUOX2 (dual oxidase 2; minus strand). Cytogenetic location: 15q21.1.
Variant type: single nucleotide variant.
Coding change: c.4238A>T on transcript NM_001363711.2 (MANE Select); coding-DNA position 4238, A replaced by T.
Protein change: p.Lys1413Met; replaces lysine 1413 with methionine.
Molecular consequence: missense variant.
Genome position (GRCh38, 1-based): chr15:45,095,438, T>A on the plus strand (A>T on the coding strand, the complement: DUOX2 is on the minus strand). VCF-style: chr15-45095438-T-A. GRCh37 (hg19) VCF-style: chr15-45387636-T-A.
Other names: c.4238A>T, p.Lys1413Met (NM_014080.5); short protein forms K1413M.
Identifiers: ClinVar variation 2700447 (VCV002700447.3), dbSNP rs2504738852, ClinGen allele CA392251043.

ClinVar aggregate classification (germline): Uncertain significance (1 of 4 stars; one submission).

Submission:

Labcorp Genetics (formerly Invitae), Labcorp
Classification: Uncertain significance. Last evaluated: 2023-12-12. Review status: criteria provided, single submitter. Criteria: Invitae Variant Classification Sherloc (09022015). Collection method: clinical testing. Allele origin: germline.
Comment: This sequence change replaces lysine, which is basic and polar, with methionine, which is neutral and non-polar, at codon 1413 of the DUOX2 protein (p.Lys1413Met). This variant is not present in population databases (gnomAD no frequency). This variant has not been reported in the literature in individuals affected with DUOX2-related conditions. An algorithm developed to predict the effect of missense changes on protein structure and function (PolyPhen-2) suggests that this variant is likely to be disruptive. Algorithms developed to predict the effect of sequence changes on RNA splicing suggest that this variant may disrupt the consensus splice site. In summary, the available evidence is currently insufficient to determine the role of this variant in disease. Therefore, it has been classified as a Variant of Uncertain Significance.